The following is an entry in ClinVar:

NM_002900.3(RBP3):c.2762G>A (p.Ser921Asn)

Gene: RBP3 (retinol binding protein 3; plus strand). Cytogenetic location: 10q11.22.
Variant type: single nucleotide variant.
Coding change: c.2762G>A on transcript NM_002900.3 (MANE Select); coding-DNA position 2762, G replaced by A.
Protein change: p.Ser921Asn; replaces serine 921 with asparagine.
Molecular consequence: missense variant.
Genome position (GRCh38, 1-based): chr10:47,351,246, G>A. VCF-style: chr10-47351246-G-A. GRCh37 (hg19) VCF-style: chr10-48388116-C-T.
Other names: short protein forms S921N.
Identifiers: ClinVar variation 855505 (VCV000855505.9), dbSNP rs1836968370, ClinGen allele CA376674920.

ClinVar aggregate classification (germline): Uncertain significance (1 of 4 stars; one submission).

Submission:

Labcorp Genetics (formerly Invitae), Labcorp
Classification: Uncertain significance. Last evaluated: 2024-02-24. Review status: criteria provided, single submitter. Criteria: Invitae Variant Classification Sherloc (09022015). Collection method: clinical testing. Allele origin: germline.
Comment: This sequence change replaces serine, which is neutral and polar, with asparagine, which is neutral and polar, at codon 921 of the RBP3 protein (p.Ser921Asn). This variant is not present in population databases (gnomAD no frequency). This variant has not been reported in the literature in individuals affected with RBP3-related conditions. ClinVar contains an entry for this variant (Variation ID: 855505). Algorithms developed to predict the effect of missense changes on protein structure and function output the following: SIFT: "Not Available"; PolyPhen-2: "Benign"; Align-GVGD: "Not Available". The asparagine amino acid residue is found in multiple mammalian species, which suggests that this missense change does not adversely affect protein function. In summary, the available evidence is currently insufficient to determine the role of this variant in disease. Therefore, it has been classified as a Variant of Uncertain Significance.